The following is an entry in ClinVar:

ClinVar aggregate classification (germline): Uncertain significance (0 of 4 stars; one submission).

Conditions:
TBX3-related disorder. Also called: TBX3-related condition.

Allele frequency attached by ClinVar (database versions not stated): ExAC 0.00001; gnomAD 0.00001; gnomAD exomes 0.00001; TOPMed 0.00002.

Submission:

PreventionGenetics, part of Exact Sciences
Classification: Uncertain significance for TBX3-related condition. Last evaluated: 2024-01-14. Review status: no assertion criteria provided. Collection method: clinical testing. Allele origin: germline.
Comment: The TBX3 c.674G>A variant is predicted to result in the amino acid substitution p.Ser225Asn. This variant is also referred as c.658-305G>A in the transcript listed in the Human Gene Mutation Database (NM_005996). To our knowledge, this variant has not been reported in the literature. This variant is reported in 0.0018% of alleles in individuals of European (Non-Finnish) descent in gnomAD. At this time, the clinical significance of this variant is uncertain due to the absence of conclusive functional and genetic evidence.

NM_005996.4(TBX3):c.658-305G>A

Gene: TBX3 (T-box transcription factor 3; minus strand). Cytogenetic location: 12q24.21.
Variant type: single nucleotide variant.
Coding change: c.658-305G>A on transcript NM_005996.4 (MANE Select); 305 bases into the intron before coding-DNA position 658, G replaced by A.
Molecular consequence: intron variant. On other transcripts: missense variant (1).
Genome position (GRCh38, 1-based): chr12:114,679,956, C>T on the plus strand (G>A on the coding strand, the complement: TBX3 is on the minus strand). VCF-style: chr12-114679956-C-T. GRCh37 (hg19) VCF-style: chr12-115117761-C-T.
Other names: c.674G>A, p.Ser225Asn (NM_016569.4); short protein forms S225N.
Identifiers: ClinVar variation 2636064 (VCV002636064.3), dbSNP rs780398425, ClinGen allele CA6810137.